The following is an entry in ClinVar:

NM_001267550.2(TTN):c.78508G>A (p.Gly26170Ser)

Genes: TTN (titin; minus strand), TTN-AS1 (TTN antisense RNA 1; plus strand). Cytogenetic location: 2q31.2.
Variant type: single nucleotide variant.
Coding change: c.78508G>A on transcript NM_001267550.2 (MANE Select); coding-DNA position 78508, G replaced by A.
Protein change: p.Gly26170Ser; replaces glycine 26170 with serine.
Molecular consequence: missense variant.
Genome position (GRCh38, 1-based): chr2:178,567,624, C>T on the plus strand (G>A on the coding strand, the complement: TTN is on the minus strand). VCF-style: chr2-178567624-C-T. GRCh37 (hg19) VCF-style: chr2-179432351-C-T.
Other names: c.73585G>A, p.Gly24529Ser (NM_001256850.1); c.51313G>A, p.Gly17105Ser (NM_003319.4); c.70804G>A, p.Gly23602Ser (NM_133378.4); c.51688G>A, p.Gly17230Ser (NM_133432.3); c.51889G>A, p.Gly17297Ser (NM_133437.4); c.78508G>A (NM_001267550.1); short protein forms G24529S, G17297S, G23602S, G26170S, G17105S, G17230S.
Identifiers: ClinVar variation 681739 (VCV000681739.9), dbSNP rs781248790, ClinGen allele CA60991390.

ClinVar aggregate classification (germline): Uncertain significance. Review status: criteria provided, multiple submitters, no conflicts (2 of 4 stars). 5 submissions from 5 submitters: Uncertain significance (5). Last evaluated 2025-09-14.

Conditions:
TTN-related disorder. Also called: TTN-related disorders; TTN-related condition; TTN-related disease.
Arrhythmogenic right ventricular cardiomyopathy (ARVD). Also called: Arrhythmogenic Right Ventricular Cardiomyopathy (ARVC); Arrhythmogenic right ventricular dysplasia; Arrhythmogenic cardiomyopathy; Cardiomyopathy, ARVC. Identifiers: Orphanet 247, MedGen C0349788, MeSH D019571, MONDO:0016587. Disease mechanism: loss of function. Inheritance: Various modes of inheritance.

Allele frequency attached by ClinVar (database versions not stated): gnomAD exomes 0.00001 and below 0.00001; TOPMed 0.00001; gnomAD 0.00002.
gnomAD v4.1: 17 of 1,611,824 alleles (0.0011%); highest among the groups gnomAD compares: African/African-American, 0.0027%; no homozygotes.

Submissions (5):

Women's Health and Genetics/Laboratory Corporation of America, LabCorp
Classification: Uncertain significance. Last evaluated: 2025-09-14. Review status: criteria provided, single submitter. Criteria: LabCorp Variant Classification Summary - May 2015. Collection method: clinical testing. Allele origin: germline.

PreventionGenetics, part of Exact Sciences
Classification: Uncertain significance for TTN-related condition. Last evaluated: 2024-12-16. Review status: criteria provided, single submitter. Criteria: ACMG Guidelines, 2015. Collection method: clinical testing. Allele origin: germline.
Comment: The TTN c.78508G>A variant is predicted to result in the amino acid substitution p.Gly26170Ser. To our knowledge, this variant has not been reported in the literature. This variant is reported in 0.0024% of alleles in individuals of European (Non-Finnish) descent in gnomAD. At this time, the clinical significance of this variant is uncertain due to the absence of conclusive functional and genetic evidence.

GeneDx
Classification: Uncertain significance. Last evaluated: 2024-06-27. Review status: criteria provided, single submitter. Criteria: GeneDx Variant Classification Process June 2021. Collection method: clinical testing. Allele origin: germline. Affected: yes.
Comment: Not observed at significant frequency in large population cohorts (gnomAD); Missense variant in a gene in which most reported pathogenic variants are truncating/loss of function; Has not been previously published as pathogenic or benign to our knowledge; This variant is associated with the following publications: (PMID: 23975875)

Revvity Omics, Revvity
Classification: Uncertain significance. Last evaluated: 2024-02-06. Review status: criteria provided, single submitter. Criteria: ACMG Guidelines, 2015. Collection method: clinical testing. Allele origin: germline.

Center for Advanced Laboratory Medicine, UC San Diego Health, University of California San Diego
Classification: Uncertain significance for Arrhythmogenic right ventricular cardiomyopathy. Last evaluated: 2019-02-26. Review status: criteria provided, single submitter. Criteria: ACMG Guidelines, 2015. Collection method: clinical testing. Allele origin: germline. Affected: yes. Observed: 1 variant allele.